The following is an entry in ClinVar:

ClinVar aggregate classification (germline): Uncertain significance (1 of 4 stars; one submission).

Allele frequency attached by ClinVar (database versions not stated): TOPMed below 0.00001; gnomAD 0.00001.
gnomAD v4.1: 1 of 1,612,546 alleles (0.000062%); highest among the groups gnomAD compares: Non-Finnish European, 0.000085%; no homozygotes.

Submission:

Women's Health and Genetics/Laboratory Corporation of America, LabCorp
Classification: Uncertain significance. Last evaluated: 2024-04-10. Review status: criteria provided, single submitter. Criteria: LabCorp Variant Classification Summary - May 2015. Collection method: clinical testing. Allele origin: germline.
Comment: Variant summary: NARS1 c.343-1G>T is located in a canonical splice-site and is predicted to affect mRNA splicing resulting in a significantly altered protein due to either exon skipping, shortening, or inclusion of intronic material. Several computational tools predict a significant impact on normal splicing: Four predict the variant abolishes a 3' acceptor site. However, these predictions have yet to be confirmed by functional studies. The variant allele was found at a frequency of 6.6e-06 in 150942 control chromosomes in the gnomAD database (v4.0 dataset). The available data on variant occurrences in the general population are insufficient to allow any conclusion about variant significance. To our knowledge, no occurrence of c.343-1G>T in individuals affected with Neurodevelopmental Disorder With Microcephaly, Impaired Language, And Gait Abnormalities and no experimental evidence demonstrating its impact on protein function have been reported. No submitters have cited clinical-significance assessments for this variant to ClinVar. Based on the evidence outlined above, the variant was classified as uncertain significance.

NM_004539.4(NARS1):c.343-1G>T

Gene: NARS1 (asparaginyl-tRNA synthetase 1; minus strand). Cytogenetic location: 18q21.31.
Variant type: single nucleotide variant.
Coding change: c.343-1G>T on transcript NM_004539.4 (MANE Select); the canonical splice acceptor site of the intron before coding-DNA position 343, G replaced by T.
Molecular consequence: splice acceptor variant.
Genome position (GRCh38, 1-based): chr18:57,613,681, C>A on the plus strand (G>T on the coding strand, the complement: NARS1 is on the minus strand). VCF-style: chr18-57613681-C-A. GRCh37 (hg19) VCF-style: chr18-55280913-C-A.
Identifiers: ClinVar variation 3251376 (VCV003251376.1), dbSNP rs2051624710.
Genomic context (GRCh38, chr18:57,613,681, plus strand): 5'-GACCCAGCCAAACACCTTTACTCTTTGGCCTCTATATCCTTCTAACGCACCAATCTTCAC[C>A]TGTCAAATTGAAATAAACAACATTTGTTCAATAATGTCATTTATACACACCAACTTTTTC-3'